The following is an entry in ClinVar:

NM_001130009.3(GEN1):c.2179C>G (p.Pro727Ala)

Gene: GEN1 (GEN1 Holliday junction 5' flap endonuclease; plus strand). Cytogenetic location: 2p24.2.
Variant type: single nucleotide variant.
Coding change: c.2179C>G on transcript NM_001130009.3 (MANE Select); coding-DNA position 2179, C replaced by G.
Protein change: p.Pro727Ala; replaces proline 727 with alanine.
Molecular consequence: missense variant.
Genome position (GRCh38, 1-based): chr2:17,781,391, C>G. VCF-style: chr2-17781391-C-G. GRCh37 (hg19) VCF-style: chr2-17962658-C-G.
Other names: c.2179C>G, p.Pro727Ala (NM_182625.5); short protein forms P727A.
Identifiers: ClinVar variation 3519771 (VCV003519771.1).

ClinVar aggregate classification (germline): Uncertain significance (1 of 4 stars; one submission).

gnomAD v4.1: 27 of 1,613,678 alleles (0.0017%); highest among the groups gnomAD compares: Non-Finnish European, 0.0023%; no homozygotes.

Submission:

Ambry Genetics
Classification: Uncertain significance. Last evaluated: 2024-12-06. Review status: criteria provided, single submitter. Criteria: Ambry Variant Classification Scheme 2023. Collection method: clinical testing. Allele origin: germline.
Comment: The p.P727A variant (also known as c.2179C>G), located in coding exon 13 of the GEN1 gene, results from a C to G substitution at nucleotide position 2179. The proline at codon 727 is replaced by alanine, an amino acid with highly similar properties. This amino acid position is conserved. In addition, this alteration is predicted to be tolerated by in silico analysis. Based on the available evidence, the clinical significance of this variant remains unclear.